The following continues an entry in ClinVar:

NM_000518.5(HBB):c.-140C>T

ClinVar aggregate classification (germline): Pathogenic/Likely pathogenic. Pathogenic (9); Likely pathogenic (1).

Submissions 9 to 15 of 15:

Illumina Laboratory Services, Illumina
Classification: Pathogenic for HBB-related disorder. Last evaluated: 2022-03-04. Review status: criteria provided, single submitter. Criteria: ICSLVariantClassificationCriteria RUGD 01 April 2020. Collection method: clinical testing. Allele origin: unknown.
Comment: The HBB c.-140C>T variant occurs in an intron and results in the substitution of a cytosine at nucleotide position c.-140 with a thymine. Across a selection of the available literature, the c.-140C>T variant, also referred to as c.-90C>T variant in the literature, has been reported in multiple individuals with mild beta-thalassemia (Faustino et al. 1992; Shaji et al. 2003; Li et al. 2008; Yasmeen et al. 2016; Qian et al. 2020; Origa et al. 2021) and in a compound heterozygous state in an individual with beta-thalassemia intermedia (Prajantasen et al. 2014). The highest frequency of this allele in the Genome Aggregation Database is 0.00012 in the African/African-American population (version 3.1.2). The c.-140C>T variant resides in the proximal CACCC box of the 13-globin gene promoter and in vitro experiments in HeLa cells suggest that the variant resulted in an eightfold decrease of the transcription level of the reporter gene compared to the wild-type promoter. Furthermore, mutant cells show impaired binding of EKLF to CACCC box compared to cells expressing wild-type promoter (Faustino et al. 1996; Kircher et al. 2019). Based on the available evidence, the c.-140C>T variant is classified as pathogenic for HBB-related disorders.

Quest Diagnostics Nichols Institute San Juan Capistrano
Classification: Pathogenic. Last evaluated: 2021-06-23. Review status: criteria provided, single submitter. Criteria: Quest Diagnostics criteria. Collection method: clinical testing. Allele origin: unknown.
Comment: The variant found in at least one symptomatic individual. The variant occurs in multiple cases with a lone recessive pathogenic/likely pathogenic variant in the same gene, and several have a phenotype known to be consistent with disease. The variant has been shown to be damaging to protein function(s) relevant to disease mechanism. The variant has been shown to be statistically associated with disease in multiple families.

MOLECULAR BIOLOGY AND HUMAN GENETICS DIVISION, THE UNIVERSITY OF BURDWAN
Classification: Pathogenic for Beta-thalassemia HBB/LCRB. Last evaluated: 2024-05-07. Review status: no assertion criteria provided. Collection method: clinical testing. Allele origin: germline. Affected: yes. Observed: 10 variant alleles. Not counted in ClinVar's aggregate classification.
Comment: HBB:c.-140C>T variant present in 5' UTR of HBB gene, beta0 type of mutation. The variant probably decrease the transcription of HBB gene by altering the binding site of transcription factors. The frequency of the variant in thalassemia patient in Eastern India is 0.99 % as per our multicentric project - A Genetic Diagnostic Algorithm Based Study for Thalassemia in Northern and Eastern Indian Populations", Funded by Dept. of Biotechnology , Govt of India [Project No. BT/PR26461/MED/12/821/2018]

The ITHANET community portal, The Cyprus Institute of Neurology and Genetics
Classification: Pathogenic for beta Thalassemia. Last evaluated: 2019-11-25. Review status: no assertion criteria provided. Collection method: curation. Allele origin: germline. Not counted in ClinVar's aggregate classification.

Counsyl
Classification: Likely pathogenic for beta Thalassemia. Last evaluated: 2014-04-15. Review status: no assertion criteria provided. Collection method: literature only. Allele origin: unknown. Inheritance: Autosomal recessive inheritance. Not counted in ClinVar's aggregate classification.

OMIM
Classification: Pathogenic for BETA-PLUS-THALASSEMIA. Last evaluated: 1992-07-01. Review status: no assertion criteria provided. Collection method: literature only. Allele origin: germline. Not counted in ClinVar's aggregate classification.

GeneReviews
No classification provided. Condition: beta Thalassemia. Review status: no classification provided. Collection method: literature only. Allele origin: germline. Not counted in ClinVar's aggregate classification.

Literature cited by the submitters: PubMed 27828729 (cited by 4 submitters); PubMed 25370867 (cited by 5 submitters); PubMed 20472475 (cited by Natera, Inc.); PubMed 19205970 (cited by Natera, Inc. and Women's Health and Genetics/Laboratory Corporation of America, LabCorp); PubMed 8874232 (cited by 5 submitters); PubMed 14555318 (cited by 4 submitters); PubMed 1634236 (cited by 6 submitters); PubMed 18076350 (cited by 3 submitters); PubMed 21119755 (cited by 3 submitters); PubMed 18294253 (cited by 3 submitters); PubMed 19254853 (cited by Women's Health and Genetics/Laboratory Corporation of America, LabCorp and Quest Diagnostics Nichols Institute San Juan Capistrano); PubMed 18096416 (cited by Women's Health and Genetics/Laboratory Corporation of America, LabCorp); PubMed 3457470 (cited by Women's Health and Genetics/Laboratory Corporation of America, LabCorp); PubMed 23590658 (cited by Women's Health and Genetics/Laboratory Corporation of America, LabCorp and Quest Diagnostics Nichols Institute San Juan Capistrano); PubMed 12709369 (cited by Illumina Laboratory Services, Illumina and Counsyl); PubMed 18339318 (cited by 3 submitters); PubMed 20301599 (cited by Illumina Laboratory Services, Illumina); PubMed 27263053 (cited by Illumina Laboratory Services, Illumina and The ITHANET community portal, The Cyprus Institute of Neurology and Genetics); PubMed 31395865 (cited by Illumina Laboratory Services, Illumina); PubMed 32885601 (cited by Illumina Laboratory Services, Illumina); PubMed 22392582 (cited by Quest Diagnostics Nichols Institute San Juan Capistrano); NCBI Bookshelf NBK1426 (cited by GeneReviews).